The following is an entry in ClinVar:

NM_201384.3(PLEC):c.6170C>T (p.Ala2057Val)

Gene: PLEC (plectin; minus strand). Cytogenetic location: 8q24.3.
Variant type: single nucleotide variant.
Coding change: c.6170C>T on transcript NM_201384.3 (MANE Select); coding-DNA position 6170, C replaced by T.
Protein change: p.Ala2057Val; replaces alanine 2057 with valine.
Molecular consequence: missense variant.
Genome position (GRCh38, 1-based): chr8:143,923,759, G>A on the plus strand (C>T on the coding strand, the complement: PLEC is on the minus strand). VCF-style: chr8-143923759-G-A. GRCh37 (hg19) VCF-style: chr8-144997927-G-A.
Other names: p.Ala2043Val; c.6251C>T, p.Ala2084Val (NM_000445.5); c.6128C>T, p.Ala2043Val (NM_201378.4); c.6104C>T, p.Ala2035Val (NM_201379.3); c.6581C>T, p.Ala2194Val (NM_201380.4); c.6074C>T, p.Ala2025Val (NM_201381.3); c.6170C>T, p.Ala2057Val (NM_201382.4); c.6182C>T, p.Ala2061Val (NM_201383.3); short protein forms A2025V, A2035V, A2043V, A2057V, A2061V, A2084V, A2194V.
Identifiers: ClinVar variation 93071 (VCV000093071.26), dbSNP rs7002002, ClinGen allele CA146482.

ClinVar aggregate classification (germline): Benign. Review status: criteria provided, multiple submitters, no conflicts (2 of 4 stars). 15 submissions from 11 submitters: Benign (14). 1 of the submissions does not count toward it. Last evaluated 2026-02-04.

Conditions:
Epidermolysis bullosa simplex with nail dystrophy (EBS5D). Identifiers: MedGen C4225309, MONDO:0014661, OMIM 616487.
Epidermolysis bullosa simplex 5C, with pyloric atresia (EBS5C). Also called: PLEC-Related Epidermolysis Bullosa with Pyloric Atresia; Epidermolysis bullosa simplex with pyloric atresia; PLEC1-Related Epidermolysis Bullosa with Pyloric Atresia. Identifiers: Orphanet 158684, MedGen C2677349, MONDO:0012807, OMIM 612138.
Epidermolysis bullosa simplex 5B, with muscular dystrophy (EBS5B). Also called: EPIDERMOLYSIS BULLOSA SIMPLEX AND LIMB-GIRDLE MUSCULAR DYSTROPHY; Epidermolysis bullosa simplex with muscular dystrophy. Identifiers: Orphanet 257, MedGen C2931072, MONDO:0009181, OMIM 226670.
Autosomal recessive limb-girdle muscular dystrophy type 2Q (LGMDR17). Also called: MUSCULAR DYSTROPHY, LIMB-GIRDLE, AUTOSOMAL RECESSIVE 17. Identifiers: Orphanet 254361, MedGen C3150989, MONDO:0013390, OMIM 613723.
Epidermolysis bullosa simplex, Ogna type (EBS5A). Also called: Pidermolysis bullosa simplex 5A, Ogna type; EPIDERMOLYSIS BULLOSA SIMPLEX 5A, OGNA TYPE. Identifiers: Orphanet 79401, MedGen C0432317, MONDO:0007555, OMIM 131950.

Allele frequency attached by ClinVar (database versions not stated): 1000 Genomes Project 0.23063; ESP Exome Variant Server 0.26171; ExAC 0.46515; TOPMed 0.28116; gnomAD 0.29901 and 0.30088; gnomAD exomes 0.34413 and 0.39860; 1000 Genomes Project 30x 0.22861.
gnomAD v4.1: 604,990 of 1,556,772 alleles (39%); highest among the groups gnomAD compares: Non-Finnish European, 42%; 123,808 homozygotes.

Submissions (15):

Labcorp Genetics (formerly Invitae), Labcorp
Classification: Benign for Autosomal recessive limb-girdle muscular dystrophy type 2Q; Epidermolysis bullosa simplex, Ogna type; Epidermolysis bullosa simplex with nail dystrophy; Epidermolysis bullosa simplex 5C, with pyloric atresia; Epidermolysis bullosa simplex 5B, with muscular dystrophy. Last evaluated: 2026-02-04. Review status: criteria provided, single submitter. Criteria: Invitae Variant Classification Sherloc (09022015). Collection method: clinical testing. Allele origin: germline.

Blueprint Genetics
Classification: Benign. Last evaluated: 2024-11-27. Review status: criteria provided, single submitter. Criteria: ACMG Guidelines, 2015. Collection method: clinical testing. Allele origin: germline.

Genome-Nilou Lab
Classification: Benign for Epidermolysis bullosa simplex with nail dystrophy. Last evaluated: 2021-10-25. Review status: criteria provided, single submitter. Criteria: ACMG Guidelines, 2015. Collection method: clinical testing. Allele origin: germline. Affected: no.

Genome-Nilou Lab
Classification: Benign for Epidermolysis bullosa simplex, Ogna type. Last evaluated: 2021-10-25. Review status: criteria provided, single submitter. Criteria: ACMG Guidelines, 2015. Collection method: clinical testing. Allele origin: germline. Affected: no.

Genome-Nilou Lab
Classification: Benign for Epidermolysis bullosa simplex 5B, with muscular dystrophy. Last evaluated: 2021-10-25. Review status: criteria provided, single submitter. Criteria: ACMG Guidelines, 2015. Collection method: clinical testing. Allele origin: germline. Affected: no.

Genome-Nilou Lab
Classification: Benign for Epidermolysis bullosa simplex 5C, with pyloric atresia. Last evaluated: 2021-10-25. Review status: criteria provided, single submitter. Criteria: ACMG Guidelines, 2015. Collection method: clinical testing. Allele origin: germline. Affected: no.

Genome-Nilou Lab
Classification: Benign for Autosomal recessive limb-girdle muscular dystrophy type 2Q. Last evaluated: 2021-10-25. Review status: criteria provided, single submitter. Criteria: ACMG Guidelines, 2015. Collection method: clinical testing. Allele origin: germline. Affected: no.

Athena Diagnostics
Classification: Benign. Last evaluated: 2018-11-02. Review status: criteria provided, single submitter. Criteria: Athena Diagnostics Criteria. Collection method: clinical testing. Allele origin: germline.

Mayo Clinic Laboratories, Mayo Clinic
Classification: Benign. Last evaluated: 2017-07-24. Review status: criteria provided, single submitter. Criteria: ACMG Guidelines, 2015. Collection method: clinical testing. Allele origin: germline. Observed: 782 variant alleles.

GeneDx
Classification: Benign. Last evaluated: 2015-03-03. Review status: criteria provided, single submitter. Criteria: GeneDx Variant Classification Process June 2021. Collection method: clinical testing. Allele origin: germline. Affected: yes.
Comment: This variant is associated with the following publications: (PMID: 29748316)

Laboratory for Molecular Medicine, Mass General Brigham Personalized Medicine
Classification: Benign. Last evaluated: 2015-01-13. Review status: criteria provided, single submitter. Criteria: LMM Criteria. Collection method: clinical testing. Allele origin: germline. Observed: 9 variant alleles.
Comment: p.Ala2194Val in exon 31 of PLEC: This variant is not expected to have clinical s ignificance because it has been identified in 35.0% (2590/7410) of European Amer ican chromosomes from a broad population by the NHLBI Exome Sequencing Project (dbSNP rs7002002).

Eurofins Ntd Llc (ga)
Classification: Benign. Last evaluated: 2013-04-18. Review status: criteria provided, single submitter. Criteria: EGL Classification Definitions 2015. Collection method: clinical testing. Allele origin: germline. Observed: 17 variant alleles, 15 heterozygotes, 2 homozygotes.

Breakthrough Genomics
Classification: Benign. Review status: criteria provided, single submitter. Criteria: ACMG Guidelines, 2015. Collection method: not provided. Allele origin: germline. Inheritance: Autosomal recessive inheritance. Affected: yes.

PreventionGenetics, part of Exact Sciences
Classification: Benign. Review status: criteria provided, single submitter. Criteria: ACMG Guidelines, 2015. Collection method: clinical testing. Allele origin: germline.

Genetic Services Laboratory, University of Chicago
Classification: Likely benign for AllHighlyPenetrant. Review status: no assertion criteria provided. Collection method: clinical testing. Allele origin: germline. Inheritance: Autosomal recessive inheritance. Not counted in ClinVar's aggregate classification.
Comment: Likely benign based on allele frequency in 1000 Genomes Project or ESP global frequency and its presence in a patient with a rare or unrelated disease phenotype. NOT Sanger confirmed.